The following is an entry in ClinVar:

ClinVar aggregate classification (germline): Likely pathogenic (1 of 4 stars; one submission).

Conditions:
Hereditary hemochromatosis (HFE). Identifiers: MedGen C0392514, MONDO:0006507. Disease mechanism: loss of function.

Submission:

Labcorp Genetics (formerly Invitae), Labcorp
Classification: Likely pathogenic for Hereditary hemochromatosis. Last evaluated: 2021-06-11. Review status: criteria provided, single submitter. Criteria: Invitae Variant Classification Sherloc (09022015). Collection method: clinical testing. Allele origin: germline.
Comment: This sequence change affects a splice site in intron 7 of the TFR2 gene. It is expected to disrupt RNA splicing. Variants that disrupt the donor or acceptor splice site typically lead to a loss of protein function (PMID: 16199547), and loss-of-function variants in TFR2 are known to be pathogenic (PMID: 23600741, 26029709). This variant is not present in population databases (ExAC no frequency). This variant has not been reported in the literature in individuals with TFR2-related conditions. Algorithms developed to predict the effect of sequence changes on RNA splicing suggest that this variant may disrupt the consensus splice site, but this prediction has not been confirmed by published transcriptional studies. In summary, the currently available evidence indicates that the variant is pathogenic, but additional data are needed to prove that conclusively. Therefore, this variant has been classified as Likely Pathogenic.

Literature cited by the submitters: PubMed 16199547; PubMed 23600741; PubMed 26029709.

NM_003227.4(TFR2):c.966+2_966+3del

Gene: TFR2 (transferrin receptor 2; minus strand). Cytogenetic location: 7q22.1.
Variant type: Microsatellite.
Coding change: c.966+2_966+3del on transcript NM_003227.4 (MANE Select); the canonical splice donor site of the intron after coding-DNA position 966 through 3 bases into the intron after coding-DNA position 966, 2 bases deleted (TG; older notation c.966+2_966+3delTG).
Molecular consequence: splice donor variant.
Genome position (GRCh38, 1-based): chr7:100,632,079-100,632,080, CA deleted on the plus strand (TG on the coding strand, the reverse complement: TFR2 is on the minus strand); deleting any 2 consecutive bases within chr7:100,632,079-100,632,082 gives the same sequence; the c. name uses the placement nearest the transcript's 3' end. VCF-style (leftmost placement, unchanged base first): chr7-100632078-TCA-T. GRCh37 (hg19) VCF-style: chr7-100229701-TCA-T.
Other names: c.453+2_453+3del (NM_001206855.3).
Identifiers: ClinVar variation 1510247 (VCV001510247.8), dbSNP rs2131318647, ClinGen allele CA2580615953.